The following is an entry in ClinVar:

ClinVar aggregate classification (germline): Uncertain significance (1 of 4 stars; one submission).

Allele frequency attached by ClinVar (database versions not stated): gnomAD exomes below 0.00001 and 0.00001; ExAC 0.00001.
gnomAD v4.1: 5 of 1,612,842 alleles (0.00031%); highest among the groups gnomAD compares: South Asian, 0.0022%; no homozygotes.

Submission:

Labcorp Genetics (formerly Invitae), Labcorp
Classification: Uncertain significance. Last evaluated: 2021-09-08. Review status: criteria provided, single submitter. Criteria: Invitae Variant Classification Sherloc (09022015). Collection method: clinical testing. Allele origin: germline.
Comment: This sequence change replaces arginine with glutamine at codon 1104 of the SKIV2L protein (p.Arg1104Gln). The arginine residue is weakly conserved and there is a small physicochemical difference between arginine and glutamine. This variant is present in population databases (rs749143182, ExAC 0.006%). This variant has not been reported in the literature in individuals affected with SKIV2L-related conditions. Algorithms developed to predict the effect of missense changes on protein structure and function output the following: SIFT: "Tolerated"; PolyPhen-2: "Benign"; Align-GVGD: "Class C0". The glutamine amino acid residue is found in multiple mammalian species, which suggests that this missense change does not adversely affect protein function. In summary, the available evidence is currently insufficient to determine the role of this variant in disease. Therefore, it has been classified as a Variant of Uncertain Significance.

NM_006929.5(SKIC2):c.3311G>A (p.Arg1104Gln)

Gene: SKIC2 (SKI2 subunit of superkiller complex; plus strand). Cytogenetic location: 6p21.33.
Variant type: single nucleotide variant.
Coding change: c.3311G>A on transcript NM_006929.5 (MANE Select); coding-DNA position 3311, G replaced by A.
Protein change: p.Arg1104Gln; replaces arginine 1104 with glutamine.
Molecular consequence: missense variant.
Genome position (GRCh38, 1-based): chr6:31,969,001, G>A. VCF-style: chr6-31969001-G-A. GRCh37 (hg19) VCF-style: chr6-31936778-G-A.
Other names: short protein forms R1104Q.
Identifiers: ClinVar variation 1375774 (VCV001375774.3), dbSNP rs749143182, ClinGen allele CA3730024.